The following is an entry in ClinVar:

NM_001291303.3(FAT4):c.10748A>C (p.Tyr3583Ser)

Gene: FAT4 (FAT atypical cadherin 4; plus strand). Cytogenetic location: 4q28.1.
Variant type: single nucleotide variant.
Coding change: c.10748A>C on transcript NM_001291303.3 (MANE Select); coding-DNA position 10748, A replaced by C.
Protein change: p.Tyr3583Ser; replaces tyrosine 3583 with serine.
Molecular consequence: missense variant.
Genome position (GRCh38, 1-based): chr4:125,451,758, A>C. VCF-style: chr4-125451758-A-C. GRCh37 (hg19) VCF-style: chr4-126372913-A-C.
Other names: c.10748A>C, p.Tyr3583Ser (NM_001291285.3); c.10742A>C, p.Tyr3581Ser (NM_024582.6); short protein forms Y3581S, Y3583S.
Identifiers: ClinVar variation 1254841 (VCV001254841.8), dbSNP rs761927639, ClinGen allele CA3073733.
Genomic context (GRCh38, chr4:125,451,758, plus strand): 5'-GCACTGCTGGAGTTCTGAGCACAACCAGAGAGATTGACAGAGAGCAGATTGCAGACTTCT[A>C]TCTGTCTGTGGTTACCAAGGATTCTGGTGTTCCTCAAATGTCTTCCACAGGAACTGTGCA-3'
Protein context (NP_001278232.1, residues 3573-3593): EIDREQIADF[Tyr3583Ser]LSVVTKDSGV

ClinVar aggregate classification (germline): Uncertain significance. Review status: criteria provided, multiple submitters, no conflicts (2 of 4 stars). 3 submissions from 3 submitters: Uncertain significance (3). Last evaluated 2025-08-30.

Conditions:
Inborn genetic diseases. Identifiers: MedGen C0950123, MeSH D030342.

Allele frequency attached by ClinVar (database versions not stated): ExAC 0.00001; TOPMed 0.00001; gnomAD 0.00002; gnomAD exomes 0.00002.
gnomAD v4.1: 29 of 1,614,086 alleles (0.0018%); highest among the groups gnomAD compares: Non-Finnish European, 0.0023%; no homozygotes.

Submissions (3):

Ambry Genetics
Classification: Uncertain significance for Inborn genetic diseases. Last evaluated: 2025-08-30. Review status: criteria provided, single submitter. Criteria: Ambry Variant Classification Scheme 2023. Collection method: clinical testing. Allele origin: germline.

Labcorp Genetics (formerly Invitae), Labcorp
Classification: Uncertain significance. Last evaluated: 2022-02-19. Review status: criteria provided, single submitter. Criteria: Invitae Variant Classification Sherloc (09022015). Collection method: clinical testing. Allele origin: germline.
Comment: This sequence change replaces tyrosine, which is neutral and polar, with serine, which is neutral and polar, at codon 3581 of the FAT4 protein (p.Tyr3581Ser). In summary, the available evidence is currently insufficient to determine the role of this variant in disease. Therefore, it has been classified as a Variant of Uncertain Significance. Advanced modeling of protein sequence and biophysical properties (such as structural, functional, and spatial information, amino acid conservation, physicochemical variation, residue mobility, and thermodynamic stability) performed at Invitae indicates that this missense variant is not expected to disrupt FAT4 protein function. ClinVar contains an entry for this variant (Variation ID: 1254841). This variant has not been reported in the literature in individuals affected with FAT4-related conditions. This variant is present in population databases (rs761927639, gnomAD 0.002%).

GeneDx
Classification: Uncertain significance. Last evaluated: 2021-08-12. Review status: criteria provided, single submitter. Criteria: GeneDx Variant Classification Process June 2021. Collection method: clinical testing. Allele origin: germline. Affected: yes.
Comment: Not observed at significant frequency in large population cohorts (Lek et al., 2016); In silico analysis supports that this missense variant does not alter protein structure/function; Has not been previously published as pathogenic or benign to our knowledge; This variant is associated with the following publications: (PMID: 24913602)